The following is an entry in ClinVar:

NM_000085.5(CLCNKB):c.1657C>A (p.His553Asn)

Genes: CLCNKB (chloride voltage-gated channel Kb; plus strand), LOC106501713 (CLCNKB recombination region; plus strand). Cytogenetic location: 1p36.13.
Variant type: single nucleotide variant.
Coding change: c.1657C>A on transcript NM_000085.5 (MANE Select); coding-DNA position 1657, C replaced by A.
Protein change: p.His553Asn; replaces histidine 553 with asparagine.
Molecular consequence: missense variant.
Genome position (GRCh38, 1-based): chr1:16,053,673, C>A. VCF-style: chr1-16053673-C-A. GRCh37 (hg19) VCF-style: chr1-16380168-C-A.
Other names: c.1150C>A, p.His384Asn (NM_001165945.2); short protein forms H384N, H553N.
Identifiers: ClinVar variation 2958413 (VCV002958413.3), dbSNP rs770911798, ClinGen allele CA623974.

ClinVar aggregate classification (germline): Uncertain significance (1 of 4 stars; one submission).

Allele frequency attached by ClinVar (database versions not stated): gnomAD exomes below 0.00001; TOPMed below 0.00001; ExAC 0.00001.
gnomAD v4.1: 2 of 1,613,962 alleles (0.00012%); highest among the groups gnomAD compares: Non-Finnish European, 0.00017%; no homozygotes.

Submission:

Labcorp Genetics (formerly Invitae), Labcorp
Classification: Uncertain significance. Last evaluated: 2022-10-20. Review status: criteria provided, single submitter. Criteria: Invitae Variant Classification Sherloc (09022015). Collection method: clinical testing. Allele origin: germline.
Comment: This variant is present in population databases (rs770911798, gnomAD 0.0009%). In summary, the available evidence is currently insufficient to determine the role of this variant in disease. Therefore, it has been classified as a Variant of Uncertain Significance. Advanced modeling of protein sequence and biophysical properties (such as structural, functional, and spatial information, amino acid conservation, physicochemical variation, residue mobility, and thermodynamic stability) performed at Invitae indicates that this missense variant is not expected to disrupt CLCNKB protein function. This variant has not been reported in the literature in individuals affected with CLCNKB-related conditions. This sequence change replaces histidine, which is basic and polar, with asparagine, which is neutral and polar, at codon 553 of the CLCNKB protein (p.His553Asn).